The following is an entry in ClinVar:

NM_005633.4(SOS1):c.135dup (p.Gln46fs)

Gene: SOS1 (SOS Ras/Rac guanine nucleotide exchange factor 1; minus strand). Cytogenetic location: 2p22.1.
Variant type: Duplication.
Coding change: c.135dup on transcript NM_005633.4 (MANE Select); coding-DNA position 135, one base duplicated (T; older notation c.135dupT).
Protein change: p.Gln46fs; shifts the reading frame from glutamine 46.
Molecular consequence: frameshift variant.
Genome position (GRCh38, 1-based): chr2:39,067,706, A duplicated on the plus strand (T on the coding strand, the reverse complement: SOS1 is on the minus strand); the first of 2 consecutive A bases (chr2:39,067,706-39,067,707); duplicating either gives the same sequence. VCF-style (leftmost placement, unchanged base first): chr2-39067705-G-GA. GRCh37 (hg19) VCF-style: chr2-39294846-G-GA.
Other names: c.114dup, p.Gln39fs (NM_001382394.1); c.135dup, p.Gln46fs (NM_001382395.1); c.135dup (NM_005633.3); short protein forms Q39fs, Q46fs.
Identifiers: ClinVar variation 1708580 (VCV001708580.6), dbSNP rs2465395516, ClinGen allele CA2580066452.

ClinVar aggregate classification (germline): Uncertain significance. Review status: criteria provided, multiple submitters, no conflicts (2 of 4 stars). 2 submissions from 2 submitters: Uncertain significance (2). Last evaluated 2025-12-20.

Conditions:
RASopathy. Also called: rasopathies; Noonan spectrum disorder. Identifiers: Orphanet 536391, MedGen C5555857, MONDO:0021060.

Submissions (2):

GeneDx
Classification: Uncertain significance. Last evaluated: 2025-12-20. Review status: criteria provided, single submitter. Criteria: GeneDx Variant Classification Process June 2021. Collection method: clinical testing. Allele origin: germline. Affected: yes.
Comment: Frameshift variant predicted to result in protein truncation or nonsense mediated decay in a gene for which loss of function is not a known mechanism of disease; Not observed at significant frequency in large population cohorts (gnomAD); Has not been previously published as pathogenic or benign in association with SOS1-related disorders to our knowledge; This variant is associated with the following publications: (PMID: 34308104)

Labcorp Genetics (formerly Invitae), Labcorp
Classification: Uncertain significance for RASopathy. Last evaluated: 2024-10-29. Review status: criteria provided, single submitter. Criteria: Invitae Variant Classification Sherloc (09022015). Collection method: clinical testing. Allele origin: germline.
Comment: This sequence change creates a premature translational stop signal (p.Gln46Serfs*4) in the SOS1 gene. It is expected to result in an absent or disrupted protein product. However, the current clinical and genetic evidence is not sufficient to establish whether loss-of-function variants in SOS1 cause disease. This variant is not present in population databases (gnomAD no frequency). This variant has not been reported in the literature in individuals affected with SOS1-related conditions. ClinVar contains an entry for this variant (Variation ID: 1708580). In summary, the available evidence is currently insufficient to determine the role of this variant in disease. Therefore, it has been classified as a Variant of Uncertain Significance.